The following is an entry in ClinVar:

ClinVar aggregate classification (germline): Uncertain significance (1 of 4 stars; one submission).

Conditions:
Inborn genetic diseases. Identifiers: MedGen C0950123, MeSH D030342.

Submission:

Ambry Genetics
Classification: Uncertain significance for Inborn genetic diseases. Last evaluated: 2026-05-14. Review status: criteria provided, single submitter. Criteria: Ambry Variant Classification Scheme 2023. Collection method: clinical testing. Allele origin: germline.
Comment: The p.C846R variant (also known as c.2536T>C), located in coding exon 27 of the FANCA gene, results from a T to C substitution at nucleotide position 2536. The cysteine at codon 846 is replaced by arginine, an amino acid with highly dissimilar properties. This amino acid position is conserved. In addition, this alteration is predicted to be deleterious by in silico analysis. Based on the available evidence, the clinical significance of this variant remains unclear.

NM_000135.4(FANCA):c.2536T>C (p.Cys846Arg)

Gene: FANCA (FA complementation group A; minus strand). Cytogenetic location: 16q24.3.
Variant type: single nucleotide variant.
Coding change: c.2536T>C on transcript NM_000135.4 (MANE Select); coding-DNA position 2536, T replaced by C.
Protein change: p.Cys846Arg; replaces cysteine 846 with arginine.
Molecular consequence: missense variant.
Genome position (GRCh38, 1-based): chr16:89,767,206, A>G on the plus strand (T>C on the coding strand, the complement: FANCA is on the minus strand). VCF-style: chr16-89767206-A-G. GRCh37 (hg19) VCF-style: chr16-89833614-A-G.
Other names: c.2536T>C, p.Cys846Arg (NM_001286167.3); short protein forms C846R.
Identifiers: ClinVar variation 4870873 (VCV004870873.1).